The following is an entry in ClinVar:

ClinVar aggregate classification (germline): Likely pathogenic (1 of 4 stars; one submission).

Conditions:
Kleefstra syndrome 1 (KLEFS1). Identifiers: Orphanet 261494, MedGen C0795833, MONDO:0027407, OMIM 610253.

Submission:

MGZ Medical Genetics Center
Classification: Likely pathogenic for Kleefstra syndrome 1. Last evaluated: 2022-02-04. Review status: criteria provided, single submitter. Criteria: ACMG Guidelines, 2015. Collection method: clinical testing. Allele origin: germline. Affected: yes. Observed: 1 variant allele.
Comment: ACMG criteria applied: PVS1, PM2_SUP

NM_024757.5(EHMT1):c.1919_1923dup (p.Ile642Ter)

Gene: EHMT1 (euchromatic histone lysine methyltransferase 1; plus strand). Cytogenetic location: 9q34.3.
Variant type: Duplication.
Coding change: c.1919_1923dup on transcript NM_024757.5 (MANE Select); coding-DNA positions 1919 to 1923, 5 bases duplicated (TGACG; older notation c.1919_1923dupTGACG).
Protein change: p.Ile642Ter; replaces isoleucine 642 with a stop codon.
Molecular consequence: nonsense.
Genome position (GRCh38, 1-based): chr9:137,776,745-137,776,749, TGACG duplicated; duplicating any 5 consecutive bases within chr9:137,776,744-137,776,749 gives the same sequence; the c. name uses the placement nearest the transcript's 3' end. VCF-style (leftmost placement, unchanged base first): chr9-137776743-G-GGTGAC. GRCh37 (hg19) VCF-style: chr9-140671195-G-GGTGAC.
Other names: c.1919_1923dup, p.Ile642Ter (NM_001145527.2); c.1826_1830dup, p.Ile611Ter (NM_001354259.2); c.1898_1902dup, p.Ile635Ter (NM_001354263.2); short protein forms I611*, I635*, I642*.
Identifiers: ClinVar variation 1709106 (VCV001709106.2), dbSNP rs2542371206, ClinGen allele CA2580081005.